The following is an entry in ClinVar:

ClinVar aggregate classification (germline): Uncertain significance (1 of 4 stars; one submission).

Conditions:
Acrocallosal syndrome (ACLS). Also called: HALLUX DUPLICATION, POSTAXIAL POLYDACTYLY, AND ABSENCE OF CORPUS CALLOSUM; Schinzel syndrome 1; Absence of corpus callosum with unusual facial appearance, mental deficiency, duplication of the halluces and polydactyly. Identifiers: Orphanet 36, MedGen C0796147, MONDO:0008708, OMIM 200990.

Allele frequency attached by ClinVar (database versions not stated): gnomAD exomes 0.00001; ExAC 0.00006.

Submission:

Labcorp Genetics (formerly Invitae), Labcorp
Classification: Uncertain significance for Acrocallosal syndrome. Last evaluated: 2022-06-10. Review status: criteria provided, single submitter. Criteria: Invitae Variant Classification Sherloc (09022015). Collection method: clinical testing. Allele origin: germline.
Comment: This variant, c.808_810del, results in the deletion of 1 amino acid(s) of the KIF7 protein (p.Lys270del), but otherwise preserves the integrity of the reading frame. This variant is present in population databases (rs763114068, gnomAD 0.002%). This variant has not been reported in the literature in individuals affected with KIF7-related conditions. Experimental studies and prediction algorithms are not available or were not evaluated, and the functional significance of this variant is currently unknown. In summary, the available evidence is currently insufficient to determine the role of this variant in disease. Therefore, it has been classified as a Variant of Uncertain Significance.

NM_198525.3(KIF7):c.808_810del (p.Lys270del)

Gene: KIF7 (kinesin family member 7; minus strand). Cytogenetic location: 15q26.1.
Variant type: Deletion.
Coding change: c.808_810del on transcript NM_198525.3 (MANE Select); coding-DNA positions 808 to 810, 3 bases deleted (AAG; older notation c.808_810delAAG).
Protein change: p.Lys270del; deletes lysine 270.
Molecular consequence: inframe deletion.
Genome position (GRCh38, 1-based): chr15:89,649,087-89,649,089, CTT deleted on the plus strand (AAG on the coding strand, the reverse complement: KIF7 is on the minus strand). VCF-style (leftmost placement, unchanged base first): chr15-89649086-CCTT-C. GRCh37 (hg19) VCF-style: chr15-90192317-CCTT-C.
Other names: short protein forms K270del.
Identifiers: ClinVar variation 2174868 (VCV002174868.1), dbSNP rs763114068, ClinGen allele CA7728608.